The following is an entry in ClinVar:

ClinVar aggregate classification (germline): Uncertain significance (1 of 4 stars; one submission).

Conditions:
Duchenne muscular dystrophy (DMD). Also called: MUSCULAR DYSTROPHY, PSEUDOHYPERTROPHIC PROGRESSIVE, DUCHENNE TYPE; Duchenne Muscular Dystrophy (DMD). Identifiers: Orphanet 98896, MedGen C0013264, MONDO:0010679, OMIM 310200.

Submission:

Labcorp Genetics (formerly Invitae), Labcorp
Classification: Uncertain significance for Duchenne muscular dystrophy. Last evaluated: 2022-01-24. Review status: criteria provided, single submitter. Criteria: Invitae Variant Classification Sherloc (09022015). Collection method: clinical testing. Allele origin: germline.
Comment: This variant has not been reported in the literature in individuals affected with DMD-related conditions. This variant is not present in population databases (gnomAD no frequency). This sequence change replaces lysine, which is basic and polar, with asparagine, which is neutral and polar, at codon 1772 of the DMD protein (p.Lys1772Asn). Algorithms developed to predict the effect of missense changes on protein structure and function are either unavailable or do not agree on the potential impact of this missense change (SIFT: "Tolerated"; PolyPhen-2: "Possibly Damaging"; Align-GVGD: "Class C15"). In summary, the available evidence is currently insufficient to determine the role of this variant in disease. Therefore, it has been classified as a Variant of Uncertain Significance.

NM_004006.3(DMD):c.5316G>T (p.Lys1772Asn)

Gene: DMD (dystrophin; minus strand). Cytogenetic location: Xp21.1.
Variant type: single nucleotide variant.
Coding change: c.5316G>T on transcript NM_004006.3 (MANE Select); coding-DNA position 5316, G replaced by T.
Protein change: p.Lys1772Asn; replaces lysine 1772 with asparagine.
Molecular consequence: missense variant.
Genome position (GRCh38, 1-based): chrX:32,362,797, C>A on the plus strand (G>T on the coding strand, the complement: DMD is on the minus strand). VCF-style: chrX-32362797-C-A. GRCh37 (hg19) VCF-style: chrX-32380914-C-A.
Other names: c.5292G>T, p.Lys1764Asn (NM_000109.4); c.5304G>T, p.Lys1768Asn (NM_004009.3); c.4947G>T, p.Lys1649Asn (NM_004010.3); c.1293G>T, p.Lys431Asn (NM_004011.4); c.1284G>T, p.Lys428Asn (NM_004012.4); short protein forms K1764N, K431N, K1649N, K1772N, K428N, K1768N.
Identifiers: ClinVar variation 1972728 (VCV001972728.5), dbSNP rs2522496833, ClinGen allele CA412670898.